The following is an entry in ClinVar:

ClinVar aggregate classification (germline): Uncertain significance (1 of 4 stars; one submission).

Submission:

Labcorp Genetics (formerly Invitae), Labcorp
Classification: Uncertain significance. Last evaluated: 2021-07-05. Review status: criteria provided, single submitter. Criteria: Invitae Variant Classification Sherloc (09022015). Collection method: clinical testing. Allele origin: germline.
Comment: This sequence change replaces glycine with valine at codon 804 of the COL4A3 protein (p.Gly804Val). The glycine residue is highly conserved and there is a moderate physicochemical difference between glycine and valine. This variant is not present in population databases (ExAC no frequency). This variant has not been reported in the literature in individuals affected with COL4A3-related conditions. Advanced modeling of protein sequence and biophysical properties (such as structural, functional, and spatial information, amino acid conservation, physicochemical variation, residue mobility, and thermodynamic stability) performed at Invitae indicates that this missense variant is expected to disrupt COL4A3 protein function. Algorithms developed to predict the effect of sequence changes on RNA splicing suggest that this variant may create or strengthen a splice site. In summary, the available evidence is currently insufficient to determine the role of this variant in disease. Therefore, it has been classified as a Variant of Uncertain Significance.

NM_000091.5(COL4A3):c.2411G>T (p.Gly804Val)

Genes: COL4A3 (collagen type IV alpha 3 chain; plus strand), MFF-DT (MFF divergent transcript; minus strand). Cytogenetic location: 2q36.3.
Variant type: single nucleotide variant.
Coding change: c.2411G>T on transcript NM_000091.5 (MANE Select); coding-DNA position 2411, G replaced by T.
Protein change: p.Gly804Val; replaces glycine 804 with valine.
Molecular consequence: missense variant.
Genome position (GRCh38, 1-based): chr2:227,280,929, G>T. VCF-style: chr2-227280929-G-T. GRCh37 (hg19) VCF-style: chr2-228145645-G-T.
Other names: short protein forms G804V.
Identifiers: ClinVar variation 1503748 (VCV001503748.8), dbSNP rs2106154204, ClinGen allele CA350849435.
Genomic context (GRCh38, chr2:227,280,929, plus strand): 5'-ATATACTTGTGCTTTCTTTTGCAGGAGATCCAGGGCAGCCTGGACCACCTGGAGAACAAG[G>T]ACCCCCAGGAAGGTGCATAGAGGGTCCCAGGGGAGCCCAAGGACTTCCAGGCTTAAATGG-3'
Protein context (NP_000082.2, residues 794-814): PGQPGPPGEQ[Gly804Val]PPGRCIEGPR